The following is an entry in ClinVar:

ClinVar aggregate classification (germline): Conflicting classifications of pathogenicity. Review status: criteria provided, conflicting classifications (1 of 4 stars). 6 submissions from 6 submitters: Uncertain significance (4); Likely benign (2). Last evaluated 2026-02-02.

Conditions:
IL17RA-related disorder. Also called: IL17RA-related condition.
Immunodeficiency 51 (IMD51). Also called: CANDIDIASIS, FAMILIAL, 5. Identifiers: Orphanet 1334, MedGen C4310803, MONDO:0013500, OMIM 613953.

Allele frequency attached by ClinVar (database versions not stated): 1000 Genomes Project 30x 0.00078; 1000 Genomes Project 0.00080; gnomAD exomes 0.00173 and 0.00399; ExAC 0.00180; gnomAD 0.00230 and 0.00238; TOPMed 0.00259; ESP Exome Variant Server 0.00469.
gnomAD v4.1: 6,272 of 1,613,944 alleles (0.39%); highest among the groups gnomAD compares: Non-Finnish European, 0.49%; 19 homozygotes.

Submissions (6):

Labcorp Genetics (formerly Invitae), Labcorp
Classification: Likely benign for Immunodeficiency 51. Last evaluated: 2026-02-02. Review status: criteria provided, single submitter. Criteria: Invitae Variant Classification Sherloc (09022015). Collection method: clinical testing. Allele origin: germline.

CeGaT Center for Human Genetics Tuebingen
Classification: Likely benign. Last evaluated: 2025-08-01. Review status: criteria provided, single submitter. Criteria: CeGaT Center For Human Genetics Tuebingen Variant Classification Criteria Version 2. Collection method: clinical testing. Allele origin: germline. Affected: yes. Observed: 1 variant allele.
Comment: IL17RA: BS2

PreventionGenetics, part of Exact Sciences
Classification: Uncertain significance for IL17RA-related condition. Last evaluated: 2024-12-20. Review status: criteria provided, single submitter. Criteria: ACMG Guidelines, 2015. Collection method: clinical testing. Allele origin: germline.
Comment: The IL17RA c.958T>C variant is predicted to result in the amino acid substitution p.Trp320Arg. This variant has been reported alongside two other variants in IL17RA, c.152T>C (p.Thr51Met) and c.1A>C (start loss), in an individual affected with an unclassified antibody deficiency (Supplementary Table 3 Mørup et al. 2022. PubMed ID: 35874679). This variant has also been reported in the heterozygous state in individuals with sarcoidosis (Besnard et al. 2018. PubMed ID: 29554915). Of note, all of those individuals also had variants in other genes in addition to the IL17RA c.958T>C variant. This variant is reported in 0.34% of alleles in individuals of European (Non-Finnish) descent in gnomAD. Although we suspect that this variant may be benign, at this time, the clinical significance of this variant is uncertain due to the absence of conclusive functional and genetic evidence.

Blueprint Genetics
Classification: Uncertain significance. Last evaluated: 2024-11-25. Review status: criteria provided, single submitter. Criteria: ACMG Guidelines, 2015. Collection method: clinical testing. Allele origin: germline.

GeneDx
Classification: Uncertain significance. Last evaluated: 2024-07-04. Review status: criteria provided, single submitter. Criteria: GeneDx Variant Classification Process June 2021. Collection method: clinical testing. Allele origin: germline. Affected: yes.
Comment: Observed with additional variants in IL17RA in a patient with unclassified antibody deficiency in published literature, but it is not known whether the variants occurred on the same (in cis) or on different (in trans) chromosomes (PMID: 35874679); Identified with a second IL17RA variant in a patient with chronic mucocutaneous candidiasis in published literature, however this patient had a variant in STAT1 that may have also contributed to the phenotype (PMID: 34390440); Reported in homozygous state in a patient with juvenile paracoccidioidomycosis in a thesis (Franco CAA. (2017)); In silico analysis supports that this missense variant has a deleterious effect on protein structure/function; This variant is associated with the following publications: (PMID: 29554915, O'Leary[abstract]2022, 34662886, 34390440, Franco[thesis]2017, 35874679)

Center for Genomics, Ann and Robert H. Lurie Children's Hospital of Chicago
Classification: Uncertain significance for Immunodeficiency 51. Last evaluated: 2021-03-30. Review status: criteria provided, single submitter. Criteria: ACMG Guidelines, 2015. Collection method: clinical testing. Allele origin: germline.
Comment: IL17RA NM_014339.6 exon 11 p.Trp320Arg (c.958T>C): This variant has been reported in the literature in 1 individual with sarcoidosis, segregating with disease in 2 affected family members; of note, additional variants were identified in this family that the authors believed were suggestive of disease (Besnard 2018 PMID:29554915). This variant is present in 0.3% (443/129026) of European alleles in the Genome Aggregation Database. This variant is present in ClinVar (Variation ID:340587). Evolutionary conservation and computational predictive tools suggest that this variant may impact the protein. In summary, data on this variant is insufficient for disease classification. Therefore, the clinical significance of this variant is uncertain.

NM_014339.7(IL17RA):c.958T>C (p.Trp320Arg)

Genes: IL17RA (interleukin 17 receptor A; plus strand), LOC129391259 (MPRA-validated peak4440 silencer; plus strand). Cytogenetic location: 22q11.1.
Variant type: single nucleotide variant.
Coding change: c.958T>C on transcript NM_014339.7 (MANE Select); coding-DNA position 958, T replaced by C.
Protein change: p.Trp320Arg; replaces tryptophan 320 with arginine.
Molecular consequence: missense variant. On other transcripts: intron variant (1).
Genome position (GRCh38, 1-based): chr22:17,105,867, T>C. VCF-style: chr22-17105867-T-C. GRCh37 (hg19) VCF-style: chr22-17586757-T-C.
Other names: c.943+265T>C (NM_001289905.2); c.958T>C (NM_014339.5); short protein forms W320R.
Identifiers: ClinVar variation 340587 (VCV000340587.30), dbSNP rs140221307, ClinGen allele CA10086605.